The following is an entry in ClinVar:

ClinVar aggregate classification (germline): Pathogenic (1 of 4 stars; one submission).

Conditions:
Alstrom syndrome (ALMS). Identifiers: Orphanet 64, MedGen C0268425, MONDO:0008763, OMIM 203800.

Submission:

Labcorp Genetics (formerly Invitae), Labcorp
Classification: Pathogenic for Alstrom syndrome. Last evaluated: 2022-04-05. Review status: criteria provided, single submitter. Criteria: Invitae Variant Classification Sherloc (09022015). Collection method: clinical testing. Allele origin: germline.
Comment: For these reasons, this variant has been classified as Pathogenic. This variant has not been reported in the literature in individuals affected with ALMS1-related conditions. This variant is not present in population databases (gnomAD no frequency). This sequence change creates a premature translational stop signal (p.Arg2815Glnfs*40) in the ALMS1 gene. It is expected to result in an absent or disrupted protein product. Loss-of-function variants in ALMS1 are known to be pathogenic (PMID: 17594715).

Literature cited by the submitters: PubMed 17594715.

NM_001378454.1(ALMS1):c.8440_8443del (p.Arg2814fs)

Gene: ALMS1 (ALMS1 centrosome and basal body associated protein; plus strand). Cytogenetic location: 2p13.1.
Variant type: Deletion.
Coding change: c.8440_8443del on transcript NM_001378454.1 (MANE Select); coding-DNA positions 8440 to 8443, 4 bases deleted (AGAT; older notation c.8440_8443delAGAT).
Protein change: p.Arg2814fs; shifts the reading frame from arginine 2814.
Molecular consequence: frameshift variant.
Genome position (GRCh38, 1-based): chr2:73,490,399-73,490,402, AGAT deleted. VCF-style (leftmost placement, unchanged base first): chr2-73490398-AAGAT-A. GRCh37 (hg19) VCF-style: chr2-73717525-AAGAT-A.
Other names: c.8443_8446del, p.Arg2815fs (NM_015120.4); short protein forms R2815fs, R2814fs.
Identifiers: ClinVar variation 2121757 (VCV002121757.4), dbSNP rs2466215789, ClinGen allele CA2580068262.